The following is an entry in ClinVar:

NM_178452.6(DNAAF1):c.1450G>T (p.Glu484Ter)

Gene: DNAAF1 (dynein axonemal assembly factor 1; plus strand). Cytogenetic location: 16q24.1.
Variant type: single nucleotide variant.
Coding change: c.1450G>T on transcript NM_178452.6 (MANE Select); coding-DNA position 1450, G replaced by T.
Protein change: p.Glu484Ter; replaces glutamic acid 484 with a stop codon.
Molecular consequence: nonsense.
Genome position (GRCh38, 1-based): chr16:84,170,278, G>T. VCF-style: chr16-84170278-G-T. GRCh37 (hg19) VCF-style: chr16-84203884-G-T.
Other names: c.742G>T, p.Glu248Ter (NM_001318756.1); short protein forms E248*, E484*.
Identifiers: ClinVar variation 3646855 (VCV003646855.2).

ClinVar aggregate classification (germline): Pathogenic (1 of 4 stars; one submission).

Conditions:
Primary ciliary dyskinesia. Also called: Ciliary dyskinesia. Identifiers: Orphanet 244, MedGen C0008780, MONDO:0016575, HP:0012265.

Submission:

Labcorp Genetics (formerly Invitae), Labcorp
Classification: Pathogenic for Primary ciliary dyskinesia. Last evaluated: 2025-01-15. Review status: criteria provided, single submitter. Criteria: Invitae Variant Classification Sherloc (09022015). Collection method: clinical testing. Allele origin: germline.
Comment: This sequence change creates a premature translational stop signal (p.Glu484*) in the DNAAF1 gene. It is expected to result in an absent or disrupted protein product. Loss-of-function variants in DNAAF1 are known to be pathogenic (PMID: 19944400, 19944405). This variant is not present in population databases (gnomAD no frequency). This variant has not been reported in the literature in individuals affected with DNAAF1-related conditions. Algorithms developed to predict the effect of sequence changes on RNA splicing suggest that this variant may disrupt the consensus splice site. For these reasons, this variant has been classified as Pathogenic.

Literature cited by the submitters: PubMed 19944400; PubMed 19944405.